The following is an entry in ClinVar:

NM_000179.3(MSH6):c.1502A>G (p.His501Arg)

Gene: MSH6 (mutS homolog 6; plus strand). Cytogenetic location: 2p16.3.
Variant type: single nucleotide variant.
Coding change: c.1502A>G on transcript NM_000179.3 (MANE Select); coding-DNA position 1502, A replaced by G.
Protein change: p.His501Arg; replaces histidine 501 with arginine.
Molecular consequence: missense variant.
Genome position (GRCh38, 1-based): chr2:47,799,485, A>G. VCF-style: chr2-47799485-A-G. GRCh37 (hg19) VCF-style: chr2-48026624-A-G.
Other names: c.1112A>G, p.His371Arg (NM_001281492.2); c.596A>G, p.His199Arg (NM_001281493.2, NM_001281494.2); short protein forms H501R, H199R, H371R.
Identifiers: ClinVar variation 819396 (VCV000819396.10), dbSNP rs1572723229, ClinGen allele CA346746216.

ClinVar aggregate classification (germline): Uncertain significance. Review status: criteria provided, multiple submitters, no conflicts (2 of 4 stars). 3 submissions from 3 submitters: Uncertain significance (3). Last evaluated 2023-12-27.

Conditions:
Hereditary nonpolyposis colorectal neoplasms. Identifiers: MedGen C0009405, MeSH D003123.
Hereditary cancer-predisposing syndrome. Also called: Tumor predisposition; Hereditary neoplastic syndrome; Neoplastic Syndromes, Hereditary; Hereditary Cancer Syndrome. Identifiers: Orphanet 140162, MedGen C0027672, MeSH D009386, MONDO:0015356.

Submissions (3):

Labcorp Genetics (formerly Invitae), Labcorp
Classification: Uncertain significance for Hereditary nonpolyposis colorectal neoplasms. Last evaluated: 2023-12-27. Review status: criteria provided, single submitter. Criteria: Invitae Variant Classification Sherloc (09022015). Collection method: clinical testing. Allele origin: germline.
Comment: This sequence change replaces histidine, which is basic and polar, with arginine, which is basic and polar, at codon 501 of the MSH6 protein (p.His501Arg). This variant is not present in population databases (gnomAD no frequency). This variant has not been reported in the literature in individuals affected with MSH6-related conditions. ClinVar contains an entry for this variant (Variation ID: 819396). Advanced modeling of protein sequence and biophysical properties (such as structural, functional, and spatial information, amino acid conservation, physicochemical variation, residue mobility, and thermodynamic stability) performed at Invitae indicates that this missense variant is not expected to disrupt MSH6 protein function with a negative predictive value of 95%. In summary, the available evidence is currently insufficient to determine the role of this variant in disease. Therefore, it has been classified as a Variant of Uncertain Significance.

GeneDx
Classification: Uncertain significance. Last evaluated: 2022-10-28. Review status: criteria provided, single submitter. Criteria: GeneDx Variant Classification Process June 2021. Collection method: clinical testing. Allele origin: germline. Affected: yes.
Comment: Not observed at significant frequency in large population cohorts (gnomAD); In silico analysis supports that this missense variant does not alter protein structure/function; Has not been previously published as pathogenic or benign to our knowledge; This variant is associated with the following publications: (PMID: 17531815, 21120944)

Ambry Genetics
Classification: Uncertain significance for Hereditary cancer-predisposing syndrome. Last evaluated: 2022-01-24. Review status: criteria provided, single submitter. Criteria: Ambry Variant Classification Scheme 2023. Collection method: clinical testing. Allele origin: germline.
Comment: The p.H501R variant (also known as c.1502A>G), located in coding exon 4 of the MSH6 gene, results from an A to G substitution at nucleotide position 1502. The histidine at codon 501 is replaced by arginine, an amino acid with highly similar properties. This amino acid position is not well conserved in available vertebrate species. In addition, this alteration is predicted to be tolerated by in silico analysis. Since supporting evidence is limited at this time, the clinical significance of this alteration remains unclear.